The following is an entry in ClinVar:

ClinVar aggregate classification (germline): Uncertain significance. Review status: criteria provided, multiple submitters, no conflicts (2 of 4 stars). 2 submissions from 2 submitters: Uncertain significance (2). Last evaluated 2024-10-29.

Allele frequency attached by ClinVar (database versions not stated): gnomAD exomes below 0.00001; ExAC 0.00001; gnomAD 0.00001; TOPMed 0.00001.
gnomAD v4.1: 7 of 1,613,552 alleles (0.00043%); highest among the groups gnomAD compares: East Asian, 0.0089%; no homozygotes.

Submissions (2):

Ambry Genetics
Classification: Uncertain significance. Last evaluated: 2024-10-29. Review status: criteria provided, single submitter. Criteria: Ambry Variant Classification Scheme 2023. Collection method: clinical testing. Allele origin: germline.

GeneDx
Classification: Uncertain significance. Last evaluated: 2013-10-01. Review status: criteria provided, single submitter. Criteria: GeneDx Variant Classification (06012015). Collection method: clinical testing. Allele origin: germline. Affected: yes.
Comment: This variant is denoted PALLD c.707C>A at the cDNA level and p.Ser236Tyr (S236Y) at the protein level, and results in the change of a Serine to a Tyrosine (TCC>TAC) in exon 2. This variant is a semi-conservative substitution of a neutral, polar amino acid for a larger one with similar characteristics and alters a position that is poorly conserved throughout evolution. This variant was not observed in approximately 6,500 European and African Americans in the NHLBI Exome Sequencing Project, suggesting it is not a rare benign variant in these populations. In silico analyses predict this variant to have a benign effect on protein structure and function. This variant has not, to our knowledge, been published in the literature as either a mutation or a polymorphism. The available information about this variant does not allow us to determine whether it is pathogenic or benign; we therefore consider it to have unknown significance.The variant is found in HEREDICANCER panel(s).

NM_001166108.2(PALLD):c.707C>A (p.Ser236Tyr)

Gene: PALLD (palladin, cytoskeletal associated protein; plus strand). Cytogenetic location: 4q32.3.
Variant type: single nucleotide variant.
Coding change: c.707C>A on transcript NM_001166108.2 (MANE Select); coding-DNA position 707, C replaced by A.
Protein change: p.Ser236Tyr; replaces serine 236 with tyrosine.
Molecular consequence: missense variant.
Genome position (GRCh38, 1-based): chr4:168,512,211, C>A. VCF-style: chr4-168512211-C-A. GRCh37 (hg19) VCF-style: chr4-169433362-C-A.
Other names: p.S236Y:TCC>TAC; c.707C>A, p.Ser236Tyr (NM_016081.4); c.707C>A (NM_001166108.1); short protein forms S236Y.
Identifiers: ClinVar variation 128112 (VCV000128112.3), dbSNP rs587780203, ClinGen allele CA288375.